The following is an entry in ClinVar:

NM_201548.5(CERKL):c.589G>T (p.Ala197Ser)

Gene: CERKL (CERK like autophagy regulator; minus strand). Cytogenetic location: 2q31.3.
Variant type: single nucleotide variant.
Coding change: c.589G>T on transcript NM_201548.5 (MANE Select); coding-DNA position 589, G replaced by T.
Protein change: p.Ala197Ser; replaces alanine 197 with serine.
Molecular consequence: missense variant. On other transcripts: non-coding transcript variant (1), intron variant (2).
Genome position (GRCh38, 1-based): chr2:181,573,777, C>A on the plus strand (G>T on the coding strand, the complement: CERKL is on the minus strand). VCF-style: chr2-181573777-C-A. GRCh37 (hg19) VCF-style: chr2-182438504-C-A.
Other names: c.589G>T, p.Ala197Ser (NM_001030311.3, NM_001030313.3); c.482-24069G>T (NM_001030312.3); c.482-7656G>T (NM_001160277.2); short protein forms A197S.
Identifiers: ClinVar variation 166847 (VCV000166847.24), dbSNP rs151110889, ClinGen allele CA233690.

ClinVar aggregate classification (germline): Conflicting classifications of pathogenicity. Review status: criteria provided, conflicting classifications (1 of 4 stars). 7 submissions from 7 submitters: Uncertain significance (3); Likely benign (3). 1 of the submissions does not count toward it. Last evaluated 2025-12-18.

Conditions:
CERKL-related disorder. Also called: CERKL-related condition.
Retinitis pigmentosa (RP). Identifiers: Orphanet 791, MedGen C0035334, MeSH D012174, MONDO:0019200, OMIM 268000. Inheritance: Autosomal dominant, autosomal recessive and X linked inheritance.
Retinitis pigmentosa 26 (RP26). Identifiers: Orphanet 791, MedGen C1842127, MONDO:0012024, OMIM 608380.

Allele frequency attached by ClinVar (database versions not stated): TOPMed 0.00057; 1000 Genomes Project 0.00080; gnomAD exomes 0.00018 and 0.00004; gnomAD 0.00049 and 0.00053; ExAC 0.00020; 1000 Genomes Project 30x 0.00078; ESP Exome Variant Server 0.00077.
gnomAD v4.1: 149 of 1,612,450 alleles (0.0092%); highest among the groups gnomAD compares: African/African-American, 0.14%; no homozygotes.

Submissions (7):

Labcorp Genetics (formerly Invitae), Labcorp
Classification: Likely benign. Last evaluated: 2025-12-18. Review status: criteria provided, single submitter. Criteria: Invitae Variant Classification Sherloc (09022015). Collection method: clinical testing. Allele origin: germline.

GeneDx
Classification: Uncertain significance. Last evaluated: 2025-01-22. Review status: criteria provided, single submitter. Criteria: GeneDx Variant Classification Process June 2021. Collection method: clinical testing. Allele origin: germline. Affected: yes.
Comment: In silico analysis indicates that this missense variant does not alter protein structure/function; Identified in an individual with retinitis pigmentosa (RP) who harbored additional variants in other RP-related genes (PMID: 28912962); This variant is associated with the following publications: (PMID: 28912962)

PreventionGenetics, part of Exact Sciences
Classification: Likely benign for CERKL-related condition. Last evaluated: 2024-10-28. Review status: criteria provided, single submitter. Criteria: ACMG Guidelines, 2015. Collection method: clinical testing. Allele origin: germline.
Comment: This variant is classified as likely benign based on ACMG/AMP sequence variant interpretation guidelines (Richards et al. 2015 PMID: 25741868, with internal and published modifications).

Blueprint Genetics
Classification: Likely benign. Last evaluated: 2024-07-04. Review status: criteria provided, single submitter. Criteria: ACMG Guidelines, 2015. Collection method: clinical testing. Allele origin: germline.

Illumina Laboratory Services, Illumina
Classification: Uncertain significance for Retinitis pigmentosa. Last evaluated: 2018-01-13. Review status: criteria provided, single submitter. Criteria: ICSL Variant Classification Criteria 13 December 2019. Collection method: clinical testing. Allele origin: germline.

Eurofins Ntd Llc (ga)
Classification: Uncertain significance. Last evaluated: 2014-03-19. Review status: criteria provided, single submitter. Criteria: EGL Classification Definitions 2015. Collection method: clinical testing. Allele origin: germline. Observed: 1 variant allele, 1 heterozygote.

Natera, Inc.
Classification: Uncertain significance for Retinitis pigmentosa type 26. Last evaluated: 2020-08-04. Review status: no assertion criteria provided. Collection method: clinical testing. Allele origin: germline. Not counted in ClinVar's aggregate classification.